The following is an entry in ClinVar:

NM_015100.4(POGZ):c.2683G>T (p.Ala895Ser)

Gene: POGZ (pogo transposable element derived with ZNF domain; minus strand). Cytogenetic location: 1q21.3.
Variant type: single nucleotide variant.
Coding change: c.2683G>T on transcript NM_015100.4 (MANE Select); coding-DNA position 2683, G replaced by T.
Protein change: p.Ala895Ser; replaces alanine 895 with serine.
Molecular consequence: missense variant.
Genome position (GRCh38, 1-based): chr1:151,406,352, C>A on the plus strand (G>T on the coding strand, the complement: POGZ is on the minus strand). VCF-style: chr1-151406352-C-A. GRCh37 (hg19) VCF-style: chr1-151378828-C-A.
Other names: c.2656G>T, p.Ala886Ser (NM_001194937.2); c.2497G>T, p.Ala833Ser (NM_001194938.2); c.2704G>T, p.Ala902Ser (NM_001410860.1); c.2398G>T, p.Ala800Ser (NM_145796.4); c.2524G>T, p.Ala842Ser (NM_207171.2); short protein forms A800S, A833S, A842S, A886S, A895S, A902S.
Identifiers: ClinVar variation 3252461 (VCV003252461.1), dbSNP rs1653603538.
Genomic context (GRCh38, chr1:151,406,352, plus strand): 5'-CAGTTGAGGCTGGTGATGGGAGTGCTGGGGCTAAGGGAGTTAGTAGCTCTTCAGGCTCAG[C>A]TGGGGTGGCCCCCGCAGATTTCACAGTGGCAGCTTTGTTAGTGGGGAAGGAAGGAGGAGG-3'
Protein context (NP_055915.2, residues 885-905): ATVKSAGATP[Ala895Ser]EPEELLTPLA

ClinVar aggregate classification (germline): Uncertain significance (1 of 4 stars; one submission).

gnomAD v4.1: 1 of 1,599,970 alleles (0.000063%); highest among the groups gnomAD compares: Non-Finnish European, 0.000085%; no homozygotes.

Submission:

GeneDx
Classification: Uncertain significance. Last evaluated: 2023-06-08. Review status: criteria provided, single submitter. Criteria: GeneDx Variant Classification Process June 2021. Collection method: clinical testing. Allele origin: germline. Affected: yes.
Comment: Not observed at significant frequency in large population cohorts (gnomAD); In silico analysis supports that this missense variant does not alter protein structure/function; Has not been previously published as pathogenic or benign to our knowledge